The following is an entry in ClinVar:

NM_004446.3(EPRS1):c.830T>C (p.Met277Thr)

Gene: EPRS1 (glutamyl-prolyl-tRNA synthetase 1; minus strand). Cytogenetic location: 1q41.
Variant type: single nucleotide variant.
Coding change: c.830T>C on transcript NM_004446.3 (MANE Select); coding-DNA position 830, T replaced by C.
Protein change: p.Met277Thr; replaces methionine 277 with threonine.
Molecular consequence: missense variant.
Genome position (GRCh38, 1-based): chr1:220,024,377, A>G on the plus strand (T>C on the coding strand, the complement: EPRS1 is on the minus strand). VCF-style: chr1-220024377-A-G. GRCh37 (hg19) VCF-style: chr1-220197719-A-G.
Other names: c.830T>C (NM_004446.2); short protein forms M277T.
Identifiers: ClinVar variation 1922521 (VCV001922521.6), dbSNP rs147523615, ClinGen allele CA1400439.

ClinVar aggregate classification (germline): Uncertain significance. Review status: criteria provided, multiple submitters, no conflicts (2 of 4 stars). 2 submissions from 2 submitters: Uncertain significance (2). Last evaluated 2025-07-16.

Conditions:
Inborn genetic diseases. Identifiers: MedGen C0950123, MeSH D030342.

Allele frequency attached by ClinVar (database versions not stated): ExAC 0.00002; gnomAD 0.00005; TOPMed 0.00005; ESP Exome Variant Server 0.00008.
gnomAD v4.1: 25 of 1,612,376 alleles (0.0016%); highest among the groups gnomAD compares: African/African-American, 0.016%; no homozygotes.

Submissions (2):

Ambry Genetics
Classification: Uncertain significance for Inborn genetic diseases. Last evaluated: 2025-07-16. Review status: criteria provided, single submitter. Criteria: Ambry Variant Classification Scheme 2023. Collection method: clinical testing. Allele origin: germline.

Labcorp Genetics (formerly Invitae), Labcorp
Classification: Uncertain significance. Last evaluated: 2022-06-19. Review status: criteria provided, single submitter. Criteria: Invitae Variant Classification Sherloc (09022015). Collection method: clinical testing. Allele origin: germline.
Comment: In summary, the available evidence is currently insufficient to determine the role of this variant in disease. Therefore, it has been classified as a Variant of Uncertain Significance. Algorithms developed to predict the effect of missense changes on protein structure and function are either unavailable or do not agree on the potential impact of this missense change (SIFT: "Deleterious"; PolyPhen-2: "Benign"; Align-GVGD: "Class C0"). This variant has not been reported in the literature in individuals affected with EPRS-related conditions. This variant is present in population databases (rs147523615, gnomAD 0.02%). This sequence change replaces methionine, which is neutral and non-polar, with threonine, which is neutral and polar, at codon 277 of the EPRS protein (p.Met277Thr).